The following is an entry in ClinVar:

NM_133433.4(NIPBL):c.3698T>C (p.Leu1233Ser)

Gene: NIPBL (NIPBL cohesin loading factor; plus strand). Cytogenetic location: 5p13.2.
Variant type: single nucleotide variant.
Coding change: c.3698T>C on transcript NM_133433.4 (MANE Select); coding-DNA position 3698, T replaced by C.
Protein change: p.Leu1233Ser; replaces leucine 1233 with serine.
Molecular consequence: missense variant.
Genome position (GRCh38, 1-based): chr5:37,002,695, T>C. VCF-style: chr5-37002695-T-C. GRCh37 (hg19) VCF-style: chr5-37002797-T-C.
Other names: c.3698T>C, p.Leu1233Ser (NM_001438586.1, NM_015384.5); short protein forms L1233S.
Identifiers: ClinVar variation 4819183 (VCV004819183.1).

ClinVar aggregate classification (germline): Likely pathogenic (1 of 4 stars; one submission).

Conditions:
Cornelia de Lange syndrome 1 (CDLS1). Also called: Brachmann de Lange syndrome; NIPBL-Related Cornelia de Lange Syndrome; TYPUS DEGENERATIVUS AMSTELODAMENSIS. Identifiers: Orphanet 199, MedGen C4551851, MONDO:0007387, OMIM 122470.

Submission:

Institute of Human Genetics, University of Leipzig Medical Center
Classification: Likely pathogenic for Cornelia de Lange syndrome 1. Last evaluated: 2026-02-18. Review status: criteria provided, single submitter. Criteria: ACMG Guidelines, 2015. Collection method: clinical testing. Allele origin: de novo. Inheritance: Autosomal dominant inheritance. Affected: yes.
Comment: Criteria applied: PS2_MOD,PM2,PP2,PP4